The following is an entry in ClinVar:

ClinVar aggregate classification (germline): Pathogenic (1 of 4 stars; one submission).

Conditions:
Primary ciliary dyskinesia. Also called: Ciliary dyskinesia. Identifiers: Orphanet 244, MedGen C0008780, MONDO:0016575, HP:0012265.

Submission:

Labcorp Genetics (formerly Invitae), Labcorp
Classification: Pathogenic for Primary ciliary dyskinesia. Last evaluated: 2023-10-17. Review status: criteria provided, single submitter. Criteria: Invitae Variant Classification Sherloc (09022015). Collection method: clinical testing. Allele origin: germline.
Comment: This sequence change creates a premature translational stop signal (p.Ser745*) in the DNAH11 gene. It is expected to result in an absent or disrupted protein product. Loss-of-function variants in DNAH11 are known to be pathogenic (PMID: 18022865, 20513915, 22184204). This variant is not present in population databases (gnomAD no frequency). This variant has not been reported in the literature in individuals affected with DNAH11-related conditions. For these reasons, this variant has been classified as Pathogenic.

Literature cited by the submitters: PubMed 18022865; PubMed 20513915; PubMed 22184204.

NM_001277115.2(DNAH11):c.2234C>G (p.Ser745Ter)

Gene: DNAH11 (dynein axonemal heavy chain 11; plus strand). Cytogenetic location: 7p15.3.
Variant type: single nucleotide variant.
Coding change: c.2234C>G on transcript NM_001277115.2 (MANE Select); coding-DNA position 2234, C replaced by G.
Protein change: p.Ser745Ter; replaces serine 745 with a stop codon.
Molecular consequence: nonsense.
Genome position (GRCh38, 1-based): chr7:21,590,982, C>G. VCF-style: chr7-21590982-C-G. GRCh37 (hg19) VCF-style: chr7-21630600-C-G.
Other names: c.2234C>G, p.Ser745Ter (NM_003777.3); short protein forms S745*.
Identifiers: ClinVar variation 2769408 (VCV002769408.3), dbSNP rs1784654067, ClinGen allele CA366942040.